The following is an entry in ClinVar:

NM_000234.3(LIG1):c.2480A>C (p.Asp827Ala)

Gene: LIG1 (DNA ligase 1; minus strand). Cytogenetic location: 19q13.33.
Variant type: single nucleotide variant.
Coding change: c.2480A>C on transcript NM_000234.3 (MANE Select); coding-DNA position 2480, A replaced by C.
Protein change: p.Asp827Ala; replaces aspartic acid 827 with alanine.
Molecular consequence: missense variant. On other transcripts: non-coding transcript variant (6).
Genome position (GRCh38, 1-based): chr19:48,117,741, T>G on the plus strand (A>C on the coding strand, the complement: LIG1 is on the minus strand). VCF-style: chr19-48117741-T-G. GRCh37 (hg19) VCF-style: chr19-48620998-T-G.
Other names: c.2387A>C, p.Asp796Ala (NM_001289063.2); c.2276A>C, p.Asp759Ala (NM_001289064.2); c.2477A>C, p.Asp826Ala (NM_001320970.2); c.2390A>C, p.Asp797Ala (NM_001320971.2); short protein forms D797A, D827A, D796A, D826A, D759A.
Identifiers: ClinVar variation 3716538 (VCV003716538.2).

ClinVar aggregate classification (germline): Uncertain significance (1 of 4 stars; one submission).

Submission:

Labcorp Genetics (formerly Invitae), Labcorp
Classification: Uncertain significance. Last evaluated: 2024-07-12. Review status: criteria provided, single submitter. Criteria: Invitae Variant Classification Sherloc (09022015). Collection method: clinical testing. Allele origin: germline.
Comment: This sequence change replaces aspartic acid, which is acidic and polar, with alanine, which is neutral and non-polar, at codon 827 of the LIG1 protein (p.Asp827Ala). This variant is not present in population databases (gnomAD no frequency). This variant has not been reported in the literature in individuals affected with LIG1-related conditions. An algorithm developed to predict the effect of missense changes on protein structure and function (PolyPhen-2) suggests that this variant is likely to be tolerated. In summary, the available evidence is currently insufficient to determine the role of this variant in disease. Therefore, it has been classified as a Variant of Uncertain Significance.